The following is an entry in ClinVar:

ClinVar aggregate classification (germline): Uncertain significance (1 of 4 stars; one submission).

Submission:

Labcorp Genetics (formerly Invitae), Labcorp
Classification: Uncertain significance. Last evaluated: 2025-07-28. Review status: criteria provided, single submitter. Criteria: Invitae Variant Classification Sherloc (09022015). Collection method: clinical testing. Allele origin: germline.
Comment: This sequence change replaces isoleucine, which is neutral and non-polar, with threonine, which is neutral and polar, at codon 415 of the MMP14 protein (p.Ile415Thr). This variant is present in population databases (rs754823222, gnomAD 0.003%). This variant has not been reported in the literature in individuals affected with MMP14-related conditions. Invitae Evidence Modeling of protein sequence and biophysical properties (such as structural, functional, and spatial information, amino acid conservation, physicochemical variation, residue mobility, and thermodynamic stability) indicates that this missense variant is expected to disrupt MMP14 protein function with a positive predictive value of 80%. In summary, the available evidence is currently insufficient to determine the role of this variant in disease. Therefore, it has been classified as a Variant of Uncertain Significance.

NM_004995.4(MMP14):c.1244T>C (p.Ile415Thr)

Gene: MMP14 (matrix metallopeptidase 14; plus strand). Cytogenetic location: 14q11.2.
Variant type: single nucleotide variant.
Coding change: c.1244T>C on transcript NM_004995.4 (MANE Select); coding-DNA position 1244, T replaced by C.
Protein change: p.Ile415Thr; replaces isoleucine 415 with threonine.
Molecular consequence: missense variant.
Genome position (GRCh38, 1-based): chr14:22,844,723, T>C. VCF-style: chr14-22844723-T-C. GRCh37 (hg19) VCF-style: chr14-23313932-T-C.
Other names: short protein forms I415T.
Identifiers: ClinVar variation 4768420 (VCV004768420.1).
Genomic context (GRCh38, chr14:22,844,723, plus strand): 5'-TGGAACCTGGCTACCCCAAGCACATTAAGGAGCTGGGCCGAGGGCTGCCTACCGACAAGA[T>C]TGATGCTGCTCTCTTCTGGATGCCCAATGGAAAGACCTACTTCTTCCGTGGAAACAAGTA-3'
Protein context (NP_004986.1, residues 405-425): ELGRGLPTDK[Ile415Thr]DAALFWMPNG